The following is an entry in ClinVar:

ClinVar aggregate classification (germline): Uncertain significance. Review status: criteria provided, multiple submitters, no conflicts (2 of 4 stars). 2 submissions from 2 submitters: Uncertain significance (2). Last evaluated 2025-08-28.

Conditions:
Ataxia-telangiectasia syndrome (AT). Also called: Cerebello-oculocutaneous telangiectasia; Immunodeficiency with ataxia telangiectasia; Ataxia-telangiectasia, complementation group D; ATAXIA-TELANGIECTASIA, COMPLEMENTATION GROUP A; ATAXIA-TELANGIECTASIA, FRESNO VARIANT; Ataxia-telangiectasia. Identifiers: Orphanet 100, MedGen C0004135, MONDO:0008840, OMIM 208900.
Hereditary cancer-predisposing syndrome. Also called: Tumor predisposition; Neoplastic Syndromes, Hereditary; Hereditary Cancer Syndrome; Hereditary neoplastic syndrome. Identifiers: Orphanet 140162, MedGen C0027672, MeSH D009386, MONDO:0015356.

Submissions (2):

Labcorp Genetics (formerly Invitae), Labcorp
Classification: Uncertain significance for Ataxia-telangiectasia syndrome. Last evaluated: 2025-08-28. Review status: criteria provided, single submitter. Criteria: Invitae Variant Classification Sherloc (09022015). Collection method: clinical testing. Allele origin: germline.
Comment: This sequence change replaces aspartic acid, which is acidic and polar, with glutamic acid, which is acidic and polar, at codon 1467 of the ATM protein (p.Asp1467Glu). This variant is not present in population databases (gnomAD no frequency). This missense change has been observed in individual(s) with pancreatic ductal adenocarcinoma (PMID: 35171259). ClinVar contains an entry for this variant (Variation ID: 2587786). Invitae Evidence Modeling of protein sequence and biophysical properties (such as structural, functional, and spatial information, amino acid conservation, physicochemical variation, residue mobility, and thermodynamic stability) indicates that this missense variant is not expected to disrupt ATM protein function with a negative predictive value of 95%. In summary, the available evidence is currently insufficient to determine the role of this variant in disease. Therefore, it has been classified as a Variant of Uncertain Significance.

Ambry Genetics
Classification: Uncertain significance for Hereditary cancer-predisposing syndrome. Last evaluated: 2023-07-15. Review status: criteria provided, single submitter. Criteria: Ambry Variant Classification Scheme 2023. Collection method: clinical testing. Allele origin: germline.
Comment: The p.D1467E variant (also known as c.4401C>G), located in coding exon 28 of the ATM gene, results from a C to G substitution at nucleotide position 4401. The aspartic acid at codon 1467 is replaced by glutamic acid, an amino acid with highly similar properties. This amino acid position is conserved. In addition, the in silico prediction for this alteration is inconclusive. Since supporting evidence is limited at this time, the clinical significance of this alteration remains unclear.

Literature cited by the submitters: PubMed 35171259 (cited by Labcorp Genetics (formerly Invitae), Labcorp).

NM_000051.4(ATM):c.4401C>G (p.Asp1467Glu)

Gene: ATM (ATM serine/threonine kinase; plus strand). Cytogenetic location: 11q22.3.
Variant type: single nucleotide variant.
Coding change: c.4401C>G on transcript NM_000051.4 (MANE Select); coding-DNA position 4401, C replaced by G.
Protein change: p.Asp1467Glu; replaces aspartic acid 1467 with glutamic acid.
Molecular consequence: missense variant.
Genome position (GRCh38, 1-based): chr11:108,289,766, C>G. VCF-style: chr11-108289766-C-G. GRCh37 (hg19) VCF-style: chr11-108160493-C-G.
Other names: c.4401C>G, p.Asp1467Glu (NM_001351834.2); short protein forms D1467E.
Identifiers: ClinVar variation 2587786 (VCV002587786.3), dbSNP rs876660356, ClinGen allele CA382532221.
Genomic context (GRCh38, chr11:108,289,766, plus strand): 5'-TTTATTACTGAAAGATATAAAAAGTGGCTTAGGAGGAGCTTGGGCCTTTGTTCTTCGAGA[C>G]GTTATTTATACTTTGATTCACTATATCAACCAAAGGTAAATAACATATTTAGACCAATAT-3'
Protein context (NP_000042.3, residues 1457-1477): LGGAWAFVLR[Asp1467Glu]VIYTLIHYIN